The following is an entry in ClinVar:

NM_006493.4(CLN5):c.*33A>G

Gene: CLN5 (CLN5 lysosomal BMP synthase; plus strand). Cytogenetic location: 13q22.3.
Variant type: single nucleotide variant.
Coding change: c.*33A>G on transcript NM_006493.4 (MANE Select); 33 bases downstream of the stop codon, A replaced by G.
Molecular consequence: 3 prime UTR variant.
Genome position (GRCh38, 1-based): chr13:77,001,002, A>G. VCF-style: chr13-77001002-A-G. GRCh37 (hg19) VCF-style: chr13-77575137-A-G.
Other names: NC_000013.10:g.77575137A>G; c.*33A>G (LRG_692t1); c.*559A>G (NM_001366624.2).
Identifiers: ClinVar variation 312429 (VCV000312429.13), dbSNP rs9573974, ClinGen allele CA7007298.
Genomic context (GRCh38, chr13:77,001,002, plus strand): 5'-CAGAAACAAAACACTCTCTGGTTTATAAAACACCTTAATTCTACTGCTCTTTTTTCTCCA[A>G]TCACCAGCATCTGTTTTTCAGGGGGTGATTTTACTTTTGTGAATTCCTTAGCCTTTCTTC-3'

ClinVar aggregate classification (germline): Benign/Likely benign. Review status: criteria provided, multiple submitters, no conflicts (2 of 4 stars). 4 submissions from 4 submitters: Benign (3); Likely benign (1). Last evaluated 2021-07-10.

Conditions:
Neuronal ceroid lipofuscinosis 5 (CLN5). Also called: CEROID LIPOFUSCINOSIS, NEURONAL, 5, VARIABLE AGE AT ONSET; Neuronal ceroid lipofuscinosis Finnish variant; NEURONAL CEROID LIPOFUSCINOSIS, LATE INFANTILE, FINNISH VARIANT; CLN5-Related Neuronal Ceroid-Lipofuscinosis. Identifiers: Orphanet 168491, Orphanet 228360, MedGen C1850442, MONDO:0009745, OMIM 256731.

Allele frequency attached by ClinVar (database versions not stated): gnomAD exomes 0.04357 and 0.07090; ESP Exome Variant Server 0.06234; ExAC 0.06756; gnomAD 0.07977 and 0.08077; TOPMed 0.08923; 1000 Genomes Project 30x 0.10993; 1000 Genomes Project 0.11062.
gnomAD v4.1: 74,484 of 1,578,468 alleles (4.7%); highest among the groups gnomAD compares: Admixed American, 15%; 2,889 homozygotes.

Submissions (8):

Genome-Nilou Lab
Classification: Benign for Neuronal ceroid lipofuscinosis 5. Last evaluated: 2021-07-10. Review status: criteria provided, single submitter. Criteria: ACMG Guidelines, 2015. Collection method: clinical testing. Allele origin: germline. Affected: no.

GeneDx
Classification: Benign. Last evaluated: 2018-06-14. Review status: criteria provided, single submitter. Criteria: GeneDx Variant Classification Process June 2021. Collection method: clinical testing. Allele origin: germline. Affected: yes.

Illumina Laboratory Services, Illumina
Classification: Benign for Neuronal ceroid lipofuscinosis 5. Last evaluated: 2018-01-13. Review status: criteria provided, single submitter. Criteria: ICSL Variant Classification Criteria 13 December 2019. Collection method: clinical testing. Allele origin: germline.
Comment: This variant was observed in the ICSL laboratory as part of a predisposition screen in an ostensibly healthy population. It had not been previously curated by ICSL or reported in the Human Gene Mutation Database (HGMD: prior to June 1st, 2018), and was therefore a candidate for classification through an automated scoring system. Utilizing variant allele frequency, disease prevalence and penetrance estimates, and inheritance mode, an automated score was calculated to assess if this variant is too frequent to cause the disease. Based on the score and internal cut-off values, a variant classified as benign is not then subjected to further curation. The score for this variant resulted in a classification of benign for this disease.

Breakthrough Genomics
Classification: Likely benign. Review status: criteria provided, single submitter. Criteria: ACMG Guidelines, 2015. Collection method: not provided. Allele origin: germline. Inheritance: Autosomal recessive inheritance. Affected: yes.

Dr. Peter K. Rogan Lab, Western University
No classification provided (evidence only). Condition: Melanoma. Review status: no classification provided. Collection method: in vitro. Allele origin: not applicable. Functional consequence: retained intron. Not counted in ClinVar's aggregate classification.

Dr. Peter K. Rogan Lab, Western University
No classification provided (evidence only). Condition: Thymoma. Review status: no classification provided. Collection method: in vitro. Allele origin: not applicable. Functional consequence: retained intron. Not counted in ClinVar's aggregate classification.

Dr. Peter K. Rogan Lab, Western University
No classification provided (evidence only). Condition: Uveal melanoma. Review status: no classification provided. Collection method: in vitro. Allele origin: not applicable. Functional consequence: retained intron. Not counted in ClinVar's aggregate classification.

Dr. Peter K. Rogan Lab, Western University
No classification provided (evidence only). Condition: Lymphoma. Review status: no classification provided. Collection method: in vitro. Allele origin: not applicable. Functional consequence: retained intron. Not counted in ClinVar's aggregate classification.